The following is an entry in ClinVar:

ClinVar aggregate classification (germline): Likely benign. Review status: criteria provided, multiple submitters, no conflicts (2 of 4 stars). 2 submissions from 2 submitters: Likely benign (2). Last evaluated 2015-10-12.

Allele frequency attached by ClinVar (database versions not stated): gnomAD 0.00003 and 0.00002; TOPMed 0.00003; ExAC 0.00004; 1000 Genomes Project 0.00020; 1000 Genomes Project 30x 0.00016; gnomAD exomes 0.00006.
gnomAD v4.1: 90 of 1,612,530 alleles (0.0056%); highest among the groups gnomAD compares: Non-Finnish European, 0.007%; no homozygotes.

Submissions (2):

Laboratory for Molecular Medicine, Mass General Brigham Personalized Medicine
Classification: Likely benign. Last evaluated: 2015-10-12. Review status: criteria provided, single submitter. Criteria: LMM Criteria. Collection method: clinical testing. Allele origin: germline. Observed: 1 variant allele.
Comment: p.Ala975Ala in exon 24 of MUC5B: This variant is not expected to have clinical s ignificance because it does not alter an amino acid residue and is not located w ithin the splice consensus sequence. It has been identified in 5/65180 European chromosomes by the Exome Aggregation Consortium (ExAC; dbSNP rs551502589).

Breakthrough Genomics
Classification: Likely benign. Review status: criteria provided, single submitter. Criteria: ACMG Guidelines, 2015. Collection method: not provided. Allele origin: germline. Inheritance: Autosomal dominant inheritance. Affected: yes.

NM_002458.3(MUC5B):c.2925G>A (p.Ala975=)

Gene: MUC5B (mucin 5B, oligomeric mucus/gel-forming; plus strand). Cytogenetic location: 11p15.5.
Variant type: single nucleotide variant.
Coding change: c.2925G>A on transcript NM_002458.3 (MANE Select); coding-DNA position 2925, G replaced by A.
Protein change: p.Ala975=; no amino-acid change (alanine 975 retained).
Molecular consequence: synonymous variant.
Genome position (GRCh38, 1-based): chr11:1,236,430, G>A. VCF-style: chr11-1236430-G-A. GRCh37 (hg19) VCF-style: chr11-1257660-G-A.
Identifiers: ClinVar variation 227555 (VCV000227555.5), dbSNP rs551502589, ClinGen allele CA5804890.